The following is an entry in ClinVar:

ClinVar aggregate classification (germline): Uncertain significance (1 of 4 stars; one submission).

Conditions:
FUS-related disorder. Also called: FUS-related condition.

Submission:

PreventionGenetics, part of Exact Sciences
Classification: Uncertain significance for FUS-related condition. Last evaluated: 2025-12-29. Review status: criteria provided, single submitter. Criteria: ACMG Guidelines, 2015. Collection method: clinical testing. Allele origin: germline.
Comment: The FUS c.*115T>G variant is located in the 3' untranslated region. To our knowledge, this variant has not been reported in the literature. Other nucleotide substitutions in the 3' untranslated region have previously been reported to be pathogenic (Sabatelli et al. 2013. PubMed ID: 23847048; Brown et al. 2012. PubMed ID: 22292843). This variant is reported in 0.011% of alleles in individuals of African descent in gnomAD. At this time, the clinical significance of this variant is uncertain due to the absence of conclusive functional and genetic evidence.

NM_004960.4(FUS):c.*115T>G

Gene: FUS (FUS RNA binding protein; plus strand). Cytogenetic location: 16p11.2.
Variant type: single nucleotide variant.
Coding change: c.*115T>G on transcript NM_004960.4 (MANE Select); 115 bases downstream of the stop codon, T replaced by G.
Molecular consequence: 3 prime UTR variant. On other transcripts: non-coding transcript variant (1).
Genome position (GRCh38, 1-based): chr16:31,191,553, T>G. VCF-style: chr16-31191553-T-G. GRCh37 (hg19) VCF-style: chr16-31202874-T-G.
Other names: c.*115T>G (NM_001170634.1, NM_001170937.1).
Identifiers: ClinVar variation 4988250 (VCV004988250.1).